The following is an entry in ClinVar:

NM_001378609.3(OTOGL):c.1349T>G (p.Leu450Ter)

Gene: OTOGL (otogelin like; plus strand). Cytogenetic location: 12q21.31.
Variant type: single nucleotide variant.
Coding change: c.1349T>G on transcript NM_001378609.3 (MANE Select); coding-DNA position 1349, T replaced by G.
Protein change: p.Leu450Ter; replaces leucine 450 with a stop codon.
Molecular consequence: nonsense.
Genome position (GRCh38, 1-based): chr12:80,253,529, T>G. VCF-style: chr12-80253529-T-G. GRCh37 (hg19) VCF-style: chr12-80647309-T-G.
Other names: c.1349T>G, p.Leu450Ter (NM_001368062.3, NM_001378610.3, NM_173591.7); short protein forms L450*.
Identifiers: ClinVar variation 2999764 (VCV002999764.4), dbSNP rs372483661, ClinGen allele CA6700428.
Genomic context (GRCh38, chr12:80,253,529, plus strand): 5'-TCGTAATGGACAATGGGACTTGCATCTCCTTGGAAAATTGCCCATGCGGTTTTCATGGAT[T>G]AGCTTATTCAGTTGGTTCAAAAATTGAACAAGAATGTACTGAATGGTATGTGATCAGTGT-3'

ClinVar aggregate classification (germline): Pathogenic/Likely pathogenic. Review status: criteria provided, multiple submitters, no conflicts (2 of 4 stars). 2 submissions from 2 submitters: Pathogenic (1); Likely pathogenic (1). Last evaluated 2023-06-03.

Conditions:
OTOGL-related disorder. Also called: OTOGL-related condition.

Allele frequency attached by ClinVar (database versions not stated): gnomAD exomes below 0.00001; TOPMed below 0.00001; gnomAD 0.00001; ExAC 0.00002; ESP Exome Variant Server 0.00008.
gnomAD v4.1: 6 of 1,613,098 alleles (0.00037%); highest among the groups gnomAD compares: Non-Finnish European, 0.00051%; no homozygotes.

Submissions (2):

Labcorp Genetics (formerly Invitae), Labcorp
Classification: Pathogenic. Last evaluated: 2023-06-03. Review status: criteria provided, single submitter. Criteria: Invitae Variant Classification Sherloc (09022015). Collection method: clinical testing. Allele origin: germline.
Comment: This sequence change creates a premature translational stop signal (p.Leu441*) in the OTOGL gene. It is expected to result in an absent or disrupted protein product. Loss-of-function variants in OTOGL are known to be pathogenic (PMID: 23122586). This variant is present in population databases (rs372483661, gnomAD 0.003%). For these reasons, this variant has been classified as Pathogenic. This variant has not been reported in the literature in individuals affected with OTOGL-related conditions.

Blueprint Genetics
Classification: Likely pathogenic for OTOGL-related disorders. Last evaluated: 2020-04-30. Review status: criteria provided, single submitter. Criteria: ACMG Guidelines, 2015. Collection method: clinical testing. Allele origin: germline. Affected: yes. Observed: 1 variant allele.

Literature cited by the submitters: PubMed 23122586 (cited by Labcorp Genetics (formerly Invitae), Labcorp).